The following is an entry in ClinVar:

NM_000128.4(F11):c.719C>T (p.Thr240Ile)

Gene: F11 (coagulation factor XI; plus strand). Cytogenetic location: 4q35.2.
Variant type: single nucleotide variant.
Coding change: c.719C>T on transcript NM_000128.4 (MANE Select); coding-DNA position 719, C replaced by T.
Protein change: p.Thr240Ile; replaces threonine 240 with isoleucine.
Molecular consequence: missense variant.
Genome position (GRCh38, 1-based): chr4:186,276,354, C>T. VCF-style: chr4-186276354-C-T. GRCh37 (hg19) VCF-style: chr4-187197508-C-T.
Other names: short protein forms T240I.
Identifiers: ClinVar variation 1703829 (VCV001703829.1), dbSNP rs2126740457, ClinGen allele CA358959347.

ClinVar aggregate classification (germline): Uncertain significance (1 of 4 stars; one submission).

Conditions:
Hereditary factor XI deficiency disease. Also called: Congenital factor XI deficiency; PLASMA THROMBOPLASTIN ANTECEDENT DEFICIENCY; PTA DEFICIENCY; ROSENTHAL SYNDROME. Identifiers: Orphanet 329, MedGen C0015523, MeSH D005173, MONDO:0012897, OMIM 612416.

Submission:

ISTH-SSC Genomics in Thrombosis and Hemostasis, KU Leuven, Center for Molecular and Vascular Biology
Classification: Uncertain significance for Hereditary factor XI deficiency disease. Review status: criteria provided, single submitter. Criteria: ACMG Guidelines, 2015. Collection method: clinical testing. Allele origin: germline. Affected: yes. Observed: 1 compound heterozygote.
Comment: Submitted to GoldVariant by Kathleen Freson, Center for Molecular and Vascular Biology, Leuven, Belgium